The following is an entry in ClinVar:

NM_017654.4(SAMD9):c.3601A>G (p.Ile1201Val)

Gene: SAMD9 (sterile alpha motif domain containing 9; minus strand). Cytogenetic location: 7q21.2.
Variant type: single nucleotide variant.
Coding change: c.3601A>G on transcript NM_017654.4 (MANE Select); coding-DNA position 3601, A replaced by G.
Protein change: p.Ile1201Val; replaces isoleucine 1201 with valine.
Molecular consequence: missense variant.
Genome position (GRCh38, 1-based): chr7:93,102,497, T>C on the plus strand (A>G on the coding strand, the complement: SAMD9 is on the minus strand). VCF-style: chr7-93102497-T-C. GRCh37 (hg19) VCF-style: chr7-92731810-T-C.
Other names: c.3601A>G, p.Ile1201Val (NM_001193307.2); short protein forms I1201V.
Identifiers: ClinVar variation 4824683 (VCV004824683.1).

ClinVar aggregate classification (germline): Uncertain significance (1 of 4 stars; one submission).

Conditions:
Inborn genetic diseases. Identifiers: MedGen C0950123, MeSH D030342.

gnomAD v4.1: 4 of 1,613,758 alleles (0.00025%); highest among the groups gnomAD compares: Non-Finnish European, 0.00034%; no homozygotes.

Submission:

Ambry Genetics
Classification: Uncertain significance for Inborn genetic diseases. Last evaluated: 2026-01-22. Review status: criteria provided, single submitter. Criteria: Ambry Variant Classification Scheme 2023. Collection method: clinical testing. Allele origin: germline.
Comment: The p.I1201V variant (also known as c.3601A>G), located in coding exon 1 of the SAMD9 gene, results from an A to G substitution at nucleotide position 3601. The isoleucine at codon 1201 is replaced by valine, an amino acid with highly similar properties. This amino acid position is conserved. In addition, this alteration is predicted to be tolerated by in silico analysis. Based on the available evidence, the clinical significance of this variant remains unclear.